The following is an entry in ClinVar:

ClinVar aggregate classification (germline): Uncertain significance (1 of 4 stars; one submission).

Submission:

Labcorp Genetics (formerly Invitae), Labcorp
Classification: Uncertain significance. Last evaluated: 2022-07-05. Review status: criteria provided, single submitter. Criteria: Invitae Variant Classification Sherloc (09022015). Collection method: clinical testing. Allele origin: germline.
Comment: Algorithms developed to predict the effect of missense changes on protein structure and function are either unavailable or do not agree on the potential impact of this missense change (SIFT: "Deleterious"; PolyPhen-2: "Benign"; Align-GVGD: "Class C35"). ClinVar contains an entry for this variant (Variation ID: 1469257). This variant has not been reported in the literature in individuals affected with BMP1-related conditions. This variant is not present in population databases (gnomAD no frequency). This sequence change replaces aspartic acid, which is acidic and polar, with glutamic acid, which is acidic and polar, at codon 929 of the BMP1 protein (p.Asp929Glu). In summary, the available evidence is currently insufficient to determine the role of this variant in disease. Therefore, it has been classified as a Variant of Uncertain Significance.

NM_006129.5(BMP1):c.2787C>A (p.Asp929Glu)

Gene: BMP1 (bone morphogenetic protein 1; plus strand). Cytogenetic location: 8p21.3.
Variant type: single nucleotide variant.
Coding change: c.2787C>A on transcript NM_006129.5 (MANE Select); coding-DNA position 2787, C replaced by A.
Protein change: p.Asp929Glu; replaces aspartic acid 929 with glutamic acid.
Molecular consequence: missense variant. On other transcripts: non-coding transcript variant (1).
Genome position (GRCh38, 1-based): chr8:22,209,656, C>A. VCF-style: chr8-22209656-C-A. GRCh37 (hg19) VCF-style: chr8-22067169-C-A.
Other names: short protein forms D929E.
Identifiers: ClinVar variation 1469257 (VCV001469257.8), dbSNP rs1472213849, ClinGen allele CA370512148.
Genomic context (GRCh38, chr8:22,209,656, plus strand): 5'-TGAGGTGGAGGAGGAGACCGACTGCGGCTATGACTACATGGAGCTCTTCGACGGCTACGA[C>A]AGCACAGCCCCCAGGCTGGGGCGCTACTGTGGCTCAGGGGTGAGGCCCCCACCCCTCGCC-3'
Protein context (NP_006120.1, residues 919-939): YDYMELFDGY[Asp929Glu]STAPRLGRYC